The following is an entry in ClinVar:

NM_000321.3(RB1):c.465_468dup (p.Val157Ter)

Gene: RB1 (RB transcriptional corepressor 1; plus strand). Cytogenetic location: 13q14.2.
Variant type: Duplication.
Coding change: c.465_468dup on transcript NM_000321.3 (MANE Select); coding-DNA positions 465 to 468, 4 bases duplicated (TGAT; older notation c.465_468dupTGAT).
Protein change: p.Val157Ter; replaces valine 157 with a stop codon.
Molecular consequence: nonsense.
Genome position (GRCh38, 1-based): chr13:48,345,164-48,345,167, TGAT duplicated. VCF-style (leftmost placement, unchanged base first): chr13-48345163-A-ATGAT. GRCh37 (hg19) VCF-style: chr13-48919299-A-ATGAT.
Other names: c.465_468dupTGAT (NM_000321.2); short protein forms V157*.
Identifiers: ClinVar variation 581661 (VCV000581661.7), dbSNP rs1566186889, ClinGen allele CA891844331.

ClinVar aggregate classification (germline): Pathogenic (1 of 4 stars; one submission).

Conditions:
Retinoblastoma (RB1). Also called: RETINOBLASTOMA, SOMATIC. Identifiers: Orphanet 790, MedGen C0035335, MeSH D012175, MONDO:0008380, OMIM 180200, HP:0009919. Disease mechanism: loss of function. Inheritance: Both sporadic and heritable forms are tested..

Submission:

Labcorp Genetics (formerly Invitae), Labcorp
Classification: Pathogenic for Retinoblastoma. Last evaluated: 2018-10-09. Review status: criteria provided, single submitter. Criteria: Invitae Variant Classification Sherloc (09022015). Collection method: clinical testing. Allele origin: germline.
Comment: This sequence change creates a premature translational stop signal (p.Val157*) in the RB1 gene. It is expected to result in an absent or disrupted protein product. This variant is not present in population databases (ExAC no frequency). This variant has not been reported in the literature in individuals with RB1-related disease. Loss-of-function variants in RB1 are known to be pathogenic (PMID: 17096365). For these reasons, this variant has been classified as Pathogenic.

Literature cited by the submitters: PubMed 17096365.